The following is an entry in ClinVar:

ClinVar aggregate classification (germline): Likely benign (1 of 4 stars; one submission).

Allele frequency attached by ClinVar (database versions not stated): 1000 Genomes Project 30x 0.00016; 1000 Genomes Project 0.00020; gnomAD exomes 0.00049; ESP Exome Variant Server 0.00056; gnomAD 0.00056; TOPMed 0.00069; ExAC 0.00113.
gnomAD v4.1: 863 of 1,605,416 alleles (0.054%); highest among the groups gnomAD compares: Middle Eastern, 0.066%; 6 homozygotes.

Submission:

CeGaT Center for Human Genetics Tuebingen
Classification: Likely benign. Last evaluated: 2023-02-01. Review status: criteria provided, single submitter. Criteria: CeGaT Center For Human Genetics Tuebingen Variant Classification Criteria Version 2. Collection method: clinical testing. Allele origin: germline. Affected: yes. Observed: 1 variant allele.
Comment: MYBPC2: BP4, BP7

NM_004533.4(MYBPC2):c.843C>T (p.Ser281=)

Gene: MYBPC2 (myosin binding protein C2; plus strand). Cytogenetic location: 19q13.33.
Variant type: single nucleotide variant.
Coding change: c.843C>T on transcript NM_004533.4 (MANE Select); coding-DNA position 843, C replaced by T.
Protein change: p.Ser281=; no amino-acid change (serine 281 retained).
Molecular consequence: synonymous variant.
Genome position (GRCh38, 1-based): chr19:50,442,254, C>T. VCF-style: chr19-50442254-C-T. GRCh37 (hg19) VCF-style: chr19-50945511-C-T.
Identifiers: ClinVar variation 2650333 (VCV002650333.24), dbSNP rs202126383, ClinGen allele CA9597482.